The following is an entry in ClinVar:

ClinVar aggregate classification (germline): Conflicting classifications of pathogenicity. Review status: criteria provided, conflicting classifications (1 of 4 stars). 5 submissions from 5 submitters: Uncertain significance (4); Likely benign (1). Last evaluated 2025-12-29.

Conditions:
Colorectal cancer, susceptibility to, 12 (CRCS12). Also called: COLORECTAL CANCER, SUSCEPTIBILITY TO, ON CHROMOSOME 12q24. Identifiers: Orphanet 220460, MedGen C3554460, MONDO:0014038, OMIM 615083.
Facial dysmorphism-immunodeficiency-livedo-short stature syndrome. Also called: Facial dysmorphism, immunodeficiency, livedo, and short stature; FILS syndrome. Identifiers: Orphanet 352712, MedGen C3554576, MONDO:0014058, OMIM 615139.
Hereditary cancer-predisposing syndrome. Also called: Tumor predisposition; Neoplastic Syndromes, Hereditary; Hereditary Cancer Syndrome; Hereditary neoplastic syndrome. Identifiers: Orphanet 140162, MedGen C0027672, MeSH D009386, MONDO:0015356.

gnomAD v4.1: 13 of 1,613,902 alleles (0.00081%); highest among the groups gnomAD compares: Non-Finnish European, 0.001%; no homozygotes.

Submissions (5):

Center for Genomic Medicine, Rigshospitalet, Copenhagen University Hospital
Classification: Uncertain significance. Last evaluated: 2025-12-29. Review status: criteria provided, single submitter. Criteria: ACMG Guidelines, 2015. Collection method: clinical testing. Allele origin: germline.

Labcorp Genetics (formerly Invitae), Labcorp
Classification: Uncertain significance. Last evaluated: 2025-12-18. Review status: criteria provided, single submitter. Criteria: Invitae Variant Classification Sherloc (09022015). Collection method: clinical testing. Allele origin: germline.
Comment: This sequence change replaces isoleucine, which is neutral and non-polar, with valine, which is neutral and non-polar, at codon 1484 of the POLE protein (p.Ile1484Val). This variant is present in population databases (rs772734618, gnomAD 0.002%). This variant has not been reported in the literature in individuals affected with POLE-related conditions. ClinVar contains an entry for this variant (Variation ID: 240516). Invitae Evidence Modeling of protein sequence and biophysical properties (such as structural, functional, and spatial information, amino acid conservation, physicochemical variation, residue mobility, and thermodynamic stability) indicates that this missense variant is not expected to disrupt POLE protein function with a negative predictive value of 80%. In summary, the available evidence is currently insufficient to determine the role of this variant in disease. Therefore, it has been classified as a Variant of Uncertain Significance.

Ambry Genetics
Classification: Likely benign for Hereditary cancer-predisposing syndrome. Last evaluated: 2024-12-18. Review status: criteria provided, single submitter. Criteria: Ambry Variant Classification Scheme 2023. Collection method: clinical testing. Allele origin: germline.

GeneDx
Classification: Uncertain significance. Last evaluated: 2023-02-21. Review status: criteria provided, single submitter. Criteria: GeneDx Variant Classification Process June 2021. Collection method: clinical testing. Allele origin: germline. Affected: yes.
Comment: Not observed at significant frequency in large population cohorts (gnomAD); In silico analysis supports that this missense variant does not alter protein structure/function; Has not been previously published as pathogenic or benign to our knowledge

Quest Diagnostics Nichols Institute San Juan Capistrano
Classification: Uncertain significance. Last evaluated: 2018-01-12. Review status: criteria provided, single submitter. Criteria: Quest Diagnostics criteria. Collection method: clinical testing. Allele origin: germline.

NM_006231.4(POLE):c.4450A>G (p.Ile1484Val)

Gene: POLE (DNA polymerase epsilon, catalytic subunit; minus strand). Cytogenetic location: 12q24.33.
Variant type: single nucleotide variant.
Coding change: c.4450A>G on transcript NM_006231.4 (MANE Select); coding-DNA position 4450, A replaced by G.
Protein change: p.Ile1484Val; replaces isoleucine 1484 with valine.
Molecular consequence: missense variant.
Genome position (GRCh38, 1-based): chr12:132,643,325, T>C on the plus strand (A>G on the coding strand, the complement: POLE is on the minus strand). VCF-style: chr12-132643325-T-C. GRCh37 (hg19) VCF-style: chr12-133219911-T-C.
Other names: short protein forms I1484V.
Identifiers: ClinVar variation 240516 (VCV000240516.20), dbSNP rs772734618, ClinGen allele CA6892835.